The following is an entry in ClinVar:

ClinVar aggregate classification (germline): Uncertain significance. Review status: criteria provided, multiple submitters, no conflicts (2 of 4 stars). 2 submissions from 2 submitters: Uncertain significance (2). Last evaluated 2026-04-14.

Conditions:
PLXNA3-related disorder. Also called: PLXNA3-related condition.

gnomAD v4.1: 6 of 1,199,418 alleles (0.0005%); highest among the groups gnomAD compares: Admixed American, 0.0022%; no homozygotes.

Submissions (2):

PreventionGenetics, part of Exact Sciences
Classification: Uncertain significance for PLXNA3-related condition. Last evaluated: 2026-04-14. Review status: criteria provided, single submitter. Criteria: ACMG Guidelines, 2015. Collection method: clinical testing. Allele origin: germline.
Comment: The PLXNA3 c.1409C>T variant is predicted to result in the amino acid substitution p.Pro470Leu. To our knowledge, this variant has not been reported in the literature. This variant is reported in 0.0036% of alleles in individuals of Latino descent in gnomAD. At this time, the clinical significance of this variant is uncertain due to the absence of conclusive functional and genetic evidence.

Ambry Genetics
Classification: Uncertain significance. Last evaluated: 2025-02-15. Review status: criteria provided, single submitter. Criteria: Ambry Variant Classification Scheme 2023. Collection method: clinical testing. Allele origin: germline.

NM_017514.5(PLXNA3):c.1409C>T (p.Pro470Leu)

Gene: PLXNA3 (plexin A3; plus strand). Cytogenetic location: Xq28.
Variant type: single nucleotide variant.
Coding change: c.1409C>T on transcript NM_017514.5 (MANE Select); coding-DNA position 1409, C replaced by T.
Protein change: p.Pro470Leu; replaces proline 470 with leucine.
Molecular consequence: missense variant.
Genome position (GRCh38, 1-based): chrX:154,463,482, C>T. VCF-style: chrX-154463482-C-T. GRCh37 (hg19) VCF-style: chrX-153691825-C-T.
Other names: short protein forms P470L.
Identifiers: ClinVar variation 3890745 (VCV003890745.2).